The following is an entry in ClinVar:

NC_000007.13:g.(?_39726267)_(39726400_?)del

Gene: RALA (RAS like proto-oncogene A; plus strand). Cytogenetic location: 7p14.1.
Variant type: Deletion.
Identifiers: ClinVar variation 3245884 (VCV003245884.1).

ClinVar aggregate classification (germline): Uncertain significance (1 of 4 stars; one submission).

Submission:

Labcorp Genetics (formerly Invitae), Labcorp
Classification: Uncertain significance. Last evaluated: 2023-05-31. Review status: criteria provided, single submitter. Criteria: Invitae Variant Classification Sherloc (09022015). Collection method: clinical testing. Allele origin: unknown.
Comment: In summary, the available evidence is currently insufficient to determine the role of this variant in disease. Therefore, it has been classified as a Variant of Uncertain Significance. This variant has not been reported in the literature in individuals affected with RALA-related conditions. This variant is a gross deletion of the genomic region encompassing exon(s) 2 of the RALA gene, which includes the initiator codon. This deletion extends beyond the assayed region for this gene and therefore may encompass additional genes. It is expected to result in an absent or disrupted protein product. However, the current clinical and genetic evidence is not sufficient to establish whether loss-of-function variants in RALA cause disease.